The following is an entry in ClinVar:

ClinVar aggregate classification (germline): Uncertain significance (1 of 4 stars; one submission).

Conditions:
Familial thoracic aortic aneurysm and aortic dissection (TAAD). Also called: Thoracic aortic aneurysms and dissections. Identifiers: Orphanet 91387, MedGen C4707243, MONDO:0019625.

Submission:

All of Us Research Program, National Institutes of Health
Classification: Uncertain significance for Familial thoracic aortic aneurysm and aortic dissection. Last evaluated: 2023-06-08. Review status: criteria provided, single submitter. Criteria: ACMG Guidelines, 2015. Collection method: clinical testing. Allele origin: germline. Inheritance: Autosomal dominant inheritance. Observed: 1 variant allele, 1 heterozygote.
Comment: This variant causes a C to G nucleotide substitution at the -13 position of intron 21 of the MYH11 gene. To our knowledge, functional studies have not been reported for this variant. This variant has not been reported in individuals affected with MYH11-related disorders in the literature. This variant has not been identified in the general population by the Genome Aggregation Database (gnomAD). The available evidence is insufficient to determine the role of this variant in disease conclusively. Therefore, this variant is classified as a Variant of Uncertain Significance.

This study involves interpretation of variants in research participants for the purpose of population health screening. Participant phenotype was not available at the time of variant classification. Additional details can be found in publication PMID: 35346344, PMCID: PMC8962531

NM_002474.3(MYH11):c.2521-13C>G

Gene: MYH11 (myosin heavy chain 11; minus strand). Cytogenetic location: 16p13.11.
Variant type: single nucleotide variant.
Coding change: c.2521-13C>G on transcript NM_002474.3 (MANE Select); 13 bases into the intron before coding-DNA position 2521, C replaced by G.
Molecular consequence: intron variant.
Genome position (GRCh38, 1-based): chr16:15,741,904, G>C on the plus strand (C>G on the coding strand, the complement: MYH11 is on the minus strand). VCF-style: chr16-15741904-G-C. GRCh37 (hg19) VCF-style: chr16-15835761-G-C.
Other names: c.2521-13C>G (NM_022844.3); c.2542-13C>G (NM_001040114.2, NM_001040113.2).
Identifiers: ClinVar variation 3071633 (VCV003071633.1), dbSNP rs1359130399, ClinGen allele CA2825002395.